The following is an entry in ClinVar:

ClinVar aggregate classification (germline): Uncertain significance. Review status: criteria provided, multiple submitters, no conflicts (2 of 4 stars). 3 submissions from 3 submitters: Uncertain significance (3). Last evaluated 2025-08-14.

Conditions:
Hereditary breast ovarian cancer syndrome. Also called: Hereditary breast and ovarian cancer syndrome; BRCA1- and BRCA2-Associated Hereditary Breast and Ovarian Cancer; Breast and ovarian cancer; Hereditary breast and/or ovarian cancer syndrome; Hereditary breast and ovarian cancer; Hereditary breast and ovarian cancer syndrome (HBOC). Identifiers: Orphanet 145, MedGen C0677776, MeSH D061325, MONDO:0003582. Disease mechanism: loss of function.
Hereditary cancer-predisposing syndrome. Also called: Neoplastic Syndromes, Hereditary; Tumor predisposition; Hereditary Cancer Syndrome; Hereditary neoplastic syndrome. Identifiers: Orphanet 140162, MedGen C0027672, MeSH D009386, MONDO:0015356.

gnomAD v4.1: 1 of 1,609,174 alleles (0.000062%); no homozygotes.

Submissions (3):

Labcorp Genetics (formerly Invitae), Labcorp
Classification: Uncertain significance for Hereditary breast ovarian cancer syndrome. Last evaluated: 2025-08-14. Review status: criteria provided, single submitter. Criteria: Invitae Variant Classification Sherloc (09022015). Collection method: clinical testing. Allele origin: germline.
Comment: This sequence change replaces valine, which is neutral and non-polar, with aspartic acid, which is acidic and polar, at codon 178 of the BRCA1 protein (p.Val178Asp). This variant is not present in population databases (gnomAD no frequency). This missense change has been observed in individual(s) with breast cancer (PMID: 28993434). ClinVar contains an entry for this variant (Variation ID: 232937). Invitae Evidence Modeling of protein sequence and biophysical properties (such as structural, functional, and spatial information, amino acid conservation, physicochemical variation, residue mobility, and thermodynamic stability) indicates that this missense variant is expected to disrupt BRCA1 protein function with a positive predictive value of 80%. Experimental studies have shown that this missense change does not substantially affect BRCA1 function (PMID: 32546644). In summary, the available evidence is currently insufficient to determine the role of this variant in disease. Therefore, it has been classified as a Variant of Uncertain Significance.

Color Diagnostics, LLC DBA Color Health
Classification: Uncertain significance for Hereditary cancer-predisposing syndrome. Last evaluated: 2020-02-03. Review status: criteria provided, single submitter. Criteria: ACMG Guidelines, 2015. Collection method: clinical testing. Allele origin: germline.
Comment: This missense variant replaces valine with aspartic acid at codon 178 of the BRCA1 protein. Computational prediction suggests that this variant may have deleterious impact on protein structure and function (internally defined REVEL score threshold >= 0.7, PMID: 27666373). Splice site prediction tools suggest that this variant may not impact RNA splicing. To our knowledge, functional studies have not been performed for this variant. This variant has been reported in an individual affected with breast cancer, as well as in a healthy control individual (PMID: 28993434). This variant has not been identified in the general population by the Genome Aggregation Database (gnomAD). The available evidence is insufficient to determine the role of this variant in disease conclusively. Therefore, this variant is classified as a Variant of Uncertain Significance.

Ambry Genetics
Classification: Uncertain significance for Hereditary cancer-predisposing syndrome. Last evaluated: 2016-12-01. Review status: criteria provided, single submitter. Criteria: Ambry Variant Classification Scheme 2023. Collection method: clinical testing. Allele origin: germline.
Comment: The p.V178D variant (also known as c.533T>A), located in coding exon 6 of the BRCA1 gene, results from a T to A substitution at nucleotide position 533. The valine at codon 178 is replaced by aspartic acid, an amino acid with highly dissimilar properties. This amino acid position is highly conserved in available vertebrate species. In addition, this alteration is predicted to be deleterious by in silico analysis. Since supporting evidence is limited at this time, the clinical significance of this alteration remains unclear.

Literature cited by the submitters: PubMed 28993434 (cited by Labcorp Genetics (formerly Invitae), Labcorp); PubMed 32546644 (cited by Labcorp Genetics (formerly Invitae), Labcorp).

NM_007294.4(BRCA1):c.533T>A (p.Val178Asp)

Gene: BRCA1 (BRCA1 DNA repair associated; minus strand). Cytogenetic location: 17q21.31.
Variant type: single nucleotide variant.
Coding change: c.533T>A on transcript NM_007294.4 (MANE Select); coding-DNA position 533, T replaced by A.
Protein change: p.Val178Asp; replaces valine 178 with aspartic acid.
Molecular consequence: missense variant. On other transcripts: non-coding transcript variant (1).
Genome position (GRCh38, 1-based): chr17:43,099,789, A>T on the plus strand (T>A on the coding strand, the complement: BRCA1 is on the minus strand). VCF-style: chr17-43099789-A-T. GRCh37 (hg19) VCF-style: chr17-41251806-A-T.
Other names: c.530T>A, p.Val177Asp (NM_001407941.1, NM_001407972.1, NM_001407984.1 and 65 more transcripts); c.392T>A, p.Val131Asp (NM_001407942.1, NM_001407944.1, NM_001407945.1 and 61 more transcripts); c.389T>A, p.Val130Asp (NM_001407943.1, NM_001407964.1, NM_001408462.1 and 35 more transcripts); c.323T>A, p.Val108Asp (NM_001407946.1, NM_001407947.1, NM_001407948.1 and 37 more transcripts); c.320T>A, p.Val107Asp (NM_001407954.1, NM_001407955.1, NM_001407956.1 and 18 more transcripts); c.152T>A, p.Val51Asp (NM_001407959.1, NM_001407960.1, NM_001407963.1 and 3 more transcripts); c.149T>A, p.Val50Asp (NM_001407962.1); c.533T>A, p.Val178Asp (NM_001407968.1, NM_001407969.1, NM_001407970.1 and 97 more transcripts); and 4 more; short protein forms V178D, V131D, V130D, V51D, V133D, V151D, V177D, V50D.
Identifiers: ClinVar variation 232937 (VCV000232937.14), dbSNP rs876660085, ClinGen allele CA10580691.